The following is an entry in ClinVar:

NM_000138.5(FBN1):c.5414T>A (p.Val1805Asp)

Gene: FBN1 (fibrillin 1; minus strand). Cytogenetic location: 15q21.1.
Variant type: single nucleotide variant.
Coding change: c.5414T>A on transcript NM_000138.5 (MANE Select); coding-DNA position 5414, T replaced by A.
Protein change: p.Val1805Asp; replaces valine 1805 with aspartic acid.
Molecular consequence: missense variant.
Genome position (GRCh38, 1-based): chr15:48,456,645, A>T on the plus strand (T>A on the coding strand, the complement: FBN1 is on the minus strand). VCF-style: chr15-48456645-A-T. GRCh37 (hg19) VCF-style: chr15-48748842-A-T.
Other names: c.5414T>A, p.Val1805Asp (NM_001406716.1); short protein forms V1805D.
Identifiers: ClinVar variation 5021581 (VCV005021581.1).

ClinVar aggregate classification (germline): Uncertain significance (1 of 4 stars; one submission).

Conditions:
Familial thoracic aortic aneurysm and aortic dissection (TAAD). Also called: Thoracic aortic aneurysms and dissections. Identifiers: Orphanet 91387, MedGen C4707243, MONDO:0019625.

Submission:

Ambry Genetics
Classification: Uncertain significance for Familial thoracic aortic aneurysm and aortic dissection. Last evaluated: 2026-07-07. Review status: criteria provided, single submitter. Criteria: Ambry Variant Classification Scheme 2023. Collection method: clinical testing. Allele origin: germline.
Comment: The p.V1805D variant (also known as c.5414T>A), located in coding exon 43 of the FBN1 gene, results from a T to A substitution at nucleotide position 5414. The valine at codon 1805 is replaced by aspartic acid, an amino acid with highly dissimilar properties. This amino acid position is conserved. In addition, the in silico prediction for this alteration is inconclusive. Based on the available evidence, the clinical significance of this variant remains unclear.